The following is an entry in ClinVar:

ClinVar aggregate classification (germline): Uncertain significance. Review status: criteria provided, multiple submitters, no conflicts (2 of 4 stars). 3 submissions from 3 submitters: Uncertain significance (3). Last evaluated 2024-05-04.

Conditions:
Aplastic anemia. Identifiers: Orphanet 182040, Orphanet 88, MedGen C0002874, MONDO:0015909, OMIM 609135, HP:0001915.
Microcephaly, normal intelligence and immunodeficiency (NBS). Also called: BERLIN BREAKAGE SYNDROME; SEEMANOVA SYNDROME II; Immunodeficiency, microcephaly with normal intelligence; Ataxia telangiectasia variant V1; Nijmegen breakage syndrome; IMMUNODEFICIENCY, MICROCEPHALY, AND CHROMOSOMAL INSTABILITY. Identifiers: Orphanet 647, MedGen C0398791, MONDO:0009623, OMIM 251260.
Hereditary cancer-predisposing syndrome. Also called: Tumor predisposition; Hereditary neoplastic syndrome; Neoplastic Syndromes, Hereditary; Hereditary Cancer Syndrome. Identifiers: Orphanet 140162, MedGen C0027672, MeSH D009386, MONDO:0015356.

Allele frequency attached by ClinVar (database versions not stated): gnomAD exomes below 0.00001 and 0.00001.
gnomAD v4.1: 7 of 1,613,818 alleles (0.00043%); highest among the groups gnomAD compares: Non-Finnish European, 0.00059%; no homozygotes.

Submissions (3):

Ambry Genetics
Classification: Uncertain significance for Hereditary cancer-predisposing syndrome. Last evaluated: 2024-05-04. Review status: criteria provided, single submitter. Criteria: Ambry Variant Classification Scheme 2023. Collection method: clinical testing. Allele origin: germline.
Comment: The p.F459L variant (also known as c.1377T>G), located in coding exon 10 of the NBN gene, results from a T to G substitution at nucleotide position 1377. The phenylalanine at codon 459 is replaced by leucine, an amino acid with highly similar properties. This amino acid position is highly conserved in available vertebrate species. In addition, the in silico prediction for this alteration is inconclusive. Since supporting evidence is limited at this time, the clinical significance of this alteration remains unclear.

Baylor Genetics
Classification: Uncertain significance for Aplastic anemia. Last evaluated: 2023-11-09. Review status: criteria provided, single submitter. Criteria: ACMG Guidelines, 2015. Collection method: clinical testing. Allele origin: unknown.

Labcorp Genetics (formerly Invitae), Labcorp
Classification: Uncertain significance for Microcephaly, normal intelligence and immunodeficiency. Last evaluated: 2021-09-24. Review status: criteria provided, single submitter. Criteria: Invitae Variant Classification Sherloc (09022015). Collection method: clinical testing. Allele origin: germline.

NM_002485.5(NBN):c.1377T>G (p.Phe459Leu)

Gene: NBN (nibrin; minus strand). Cytogenetic location: 8q21.3.
Variant type: single nucleotide variant.
Coding change: c.1377T>G on transcript NM_002485.5 (MANE Select); coding-DNA position 1377, T replaced by G.
Protein change: p.Phe459Leu; replaces phenylalanine 459 with leucine.
Molecular consequence: missense variant.
Genome position (GRCh38, 1-based): chr8:89,955,303, A>C on the plus strand (T>G on the coding strand, the complement: NBN is on the minus strand). VCF-style: chr8-89955303-A-C. GRCh37 (hg19) VCF-style: chr8-90967531-A-C.
Other names: c.1131T>G, p.Phe377Leu (NM_001024688.3); short protein forms F459L, F377L.
Identifiers: ClinVar variation 1506239 (VCV001506239.7), dbSNP rs1397458119, ClinGen allele CA371655991.